The following is an entry in ClinVar:

NM_194293.4(XIRP1):c.5388C>G (p.Pro1796=)

Gene: XIRP1 (xin actin binding repeat containing 1; minus strand). Cytogenetic location: 3p22.2.
Variant type: single nucleotide variant.
Coding change: c.5388C>G on transcript NM_194293.4 (MANE Select); coding-DNA position 5388, C replaced by G.
Protein change: p.Pro1796=; no amino-acid change (proline 1796 retained).
Molecular consequence: synonymous variant. On other transcripts: 3 prime UTR variant (1).
Genome position (GRCh38, 1-based): chr3:39,184,058, G>C on the plus strand (C>G on the coding strand, the complement: XIRP1 is on the minus strand). VCF-style: chr3-39184058-G-C. GRCh37 (hg19) VCF-style: chr3-39225549-G-C.
Other names: c.*1595C>G (NM_001198621.4); c.1437C>G, p.Pro479= (NM_001351377.2).
Identifiers: ClinVar variation 775859 (VCV000775859.7), dbSNP rs36091974, ClinGen allele CA2325662.

ClinVar aggregate classification (germline): Benign. Review status: criteria provided, multiple submitters, no conflicts (2 of 4 stars). 3 submissions from 3 submitters: Benign (2). 1 of the submissions does not count toward it. Last evaluated 2019-12-31.

Conditions:
XIRP1-related disorder. Also called: XIRP1-related condition.

Allele frequency attached by ClinVar (database versions not stated): gnomAD exomes 0.00236 and 0.00618; ExAC 0.00759; gnomAD 0.02287 and 0.02459; 1000 Genomes Project 0.02416; 1000 Genomes Project 30x 0.02545; TOPMed 0.02781; ESP Exome Variant Server 0.02806.
gnomAD v4.1: 7,077 of 1,610,722 alleles (0.44%); highest among the groups gnomAD compares: African/African-American, 8.1%; 270 homozygotes.

Submissions (3):

Labcorp Genetics (formerly Invitae), Labcorp
Classification: Benign. Last evaluated: 2019-12-31. Review status: criteria provided, single submitter. Criteria: Invitae Variant Classification Sherloc (09022015). Collection method: clinical testing. Allele origin: germline.

Breakthrough Genomics
Classification: Benign. Review status: criteria provided, single submitter. Criteria: ACMG Guidelines, 2015. Collection method: not provided. Allele origin: germline. Inheritance: Unknown mechanism. Affected: yes.

PreventionGenetics, part of Exact Sciences
Classification: Benign for XIRP1-related condition. Last evaluated: 2019-12-05. Review status: no assertion criteria provided. Collection method: clinical testing. Allele origin: germline. Not counted in ClinVar's aggregate classification.
Comment: This variant is classified as benign based on ACMG/AMP sequence variant interpretation guidelines (Richards et al. 2015 PMID: 25741868, with internal and published modifications).